The following is an entry in ClinVar:

ClinVar aggregate classification (germline): Likely benign (1 of 4 stars; one submission).

gnomAD v4.1: 56 of 1,550,538 alleles (0.0036%); highest among the groups gnomAD compares: South Asian, 0.064%; 1 homozygote.

Submission:

CeGaT Center for Human Genetics Tuebingen
Classification: Likely benign. Last evaluated: 2025-06-01. Review status: criteria provided, single submitter. Criteria: CeGaT Center For Human Genetics Tuebingen Variant Classification Criteria Version 2. Collection method: clinical testing. Allele origin: germline. Affected: yes. Observed: 1 variant allele.
Comment: DNHD1: BP4, BP7

NM_144666.3(DNHD1):c.7560A>G (p.Arg2520=)

Gene: DNHD1 (dynein heavy chain domain 1; plus strand). Cytogenetic location: 11p15.4.
Variant type: single nucleotide variant.
Coding change: c.7560A>G on transcript NM_144666.3 (MANE Select); coding-DNA position 7560, A replaced by G.
Protein change: p.Arg2520=; no amino-acid change (arginine 2520 retained).
Molecular consequence: synonymous variant.
Genome position (GRCh38, 1-based): chr11:6,556,855, A>G. VCF-style: chr11-6556855-A-G. GRCh37 (hg19) VCF-style: chr11-6578085-A-G.
Identifiers: ClinVar variation 3905377 (VCV003905377.10).
Genomic context (GRCh38, chr11:6,556,855, plus strand): 5'-CCTTGCCACTGTCACAGTGCCAGGATACTGTGAGCGCCCACTGTGTCCACGCCTCTTTCG[A>G]CTCTTCACAGTCCTGGCCCTGGAAAGCATGACCCAGGCCACCCTGCTGGAAAGACATGTG-3'
Protein context (NP_653267.2, residues 2510-2530): CERPLCPRLF[Arg2520=]LFTVLALESM